The following is an entry in ClinVar:

ClinVar aggregate classification (germline): Conflicting classifications of pathogenicity. Review status: criteria provided, conflicting classifications (1 of 4 stars). 2 submissions from 2 submitters: Uncertain significance (1); Likely benign (1). Last evaluated 2025-01-25.

Conditions:
Hereditary cancer-predisposing syndrome. Also called: Tumor predisposition; Neoplastic Syndromes, Hereditary; Hereditary Cancer Syndrome; Hereditary neoplastic syndrome. Identifiers: Orphanet 140162, MedGen C0027672, MeSH D009386, MONDO:0015356.
Birt-Hogg-Dube syndrome. Also called: Birt Hogg Dubé syndrome. Identifiers: Orphanet 122, MedGen C0346010, MONDO:0800444.

Submissions (2):

Ambry Genetics
Classification: Likely benign for Hereditary cancer-predisposing syndrome. Last evaluated: 2025-01-25. Review status: criteria provided, single submitter. Criteria: Ambry Variant Classification Scheme 2023. Collection method: clinical testing. Allele origin: germline.

Labcorp Genetics (formerly Invitae), Labcorp
Classification: Uncertain significance for Birt-Hogg-Dube syndrome. Last evaluated: 2023-10-20. Review status: criteria provided, single submitter. Criteria: Invitae Variant Classification Sherloc (09022015). Collection method: clinical testing. Allele origin: germline.
Comment: This sequence change replaces methionine, which is neutral and non-polar, with leucine, which is neutral and non-polar, at codon 58 of the FLCN protein (p.Met58Leu). This variant is not present in population databases (gnomAD no frequency). This variant has not been reported in the literature in individuals affected with FLCN-related conditions. ClinVar contains an entry for this variant (Variation ID: 1778936). Algorithms developed to predict the effect of missense changes on protein structure and function output the following: SIFT: "Not Available"; PolyPhen-2: "Benign"; Align-GVGD: "Not Available". The leucine amino acid residue is found in multiple mammalian species, which suggests that this missense change does not adversely affect protein function. In summary, the available evidence is currently insufficient to determine the role of this variant in disease. Therefore, it has been classified as a Variant of Uncertain Significance.

NM_144997.7(FLCN):c.172A>T (p.Met58Leu)

Gene: FLCN (folliculin; minus strand). Cytogenetic location: 17p11.2.
Variant type: single nucleotide variant.
Coding change: c.172A>T on transcript NM_144997.7 (MANE Select); coding-DNA position 172, A replaced by T.
Protein change: p.Met58Leu; replaces methionine 58 with leucine.
Molecular consequence: missense variant.
Genome position (GRCh38, 1-based): chr17:17,227,966, T>A on the plus strand (A>T on the coding strand, the complement: FLCN is on the minus strand). VCF-style: chr17-17227966-T-A. GRCh37 (hg19) VCF-style: chr17-17131280-T-A.
Other names: c.172A>T, p.Met58Leu (NM_001353229.2, NM_001353230.2, NM_001353231.2 and 1 more transcripts); short protein forms M58L.
Identifiers: ClinVar variation 1778936 (VCV001778936.6), dbSNP rs2145043248, ClinGen allele CA398535173.